The following is an entry in ClinVar:

NM_000891.3(KCNJ2):c.13C>G (p.Arg5Gly)

Gene: KCNJ2 (potassium inwardly rectifying channel subfamily J member 2; plus strand). Cytogenetic location: 17q24.3.
Variant type: single nucleotide variant.
Coding change: c.13C>G on transcript NM_000891.3 (MANE Select); coding-DNA position 13, C replaced by G.
Protein change: p.Arg5Gly; replaces arginine 5 with glycine.
Molecular consequence: missense variant.
Genome position (GRCh38, 1-based): chr17:70,175,052, C>G. VCF-style: chr17-70175052-C-G. GRCh37 (hg19) VCF-style: chr17-68171193-C-G.
Other names: short protein forms R5G.
Identifiers: ClinVar variation 1880634 (VCV001880634.5), dbSNP rs1042485, ClinGen allele CA293702895.

ClinVar aggregate classification (germline): Uncertain significance (1 of 4 stars; one submission).

Conditions:
Short QT syndrome type 3. Identifiers: Orphanet 51083, MedGen C1865018, MONDO:0012314, OMIM 609622.
Andersen Tawil syndrome (LQT7). Also called: Potassium-sensitive periodic paralysis, ventricular ectopy, and dysmorphic features; LONG QT SYNDROME 7; PERIODIC PARALYSIS, POTASSIUM-SENSITIVE CARDIODYSRHYTHMIC TYPE; Andersen Syndrome; ANDERSEN CARDIODYSRHYTHMIC PERIODIC PARALYSIS. Identifiers: Orphanet 37553, MedGen C1563715, MONDO:0008222, OMIM 170390.

Submission:

Labcorp Genetics (formerly Invitae), Labcorp
Classification: Uncertain significance for Short QT syndrome type 3; Andersen Tawil syndrome. Last evaluated: 2022-03-20. Review status: criteria provided, single submitter. Criteria: Invitae Variant Classification Sherloc (09022015). Collection method: clinical testing. Allele origin: germline.
Comment: In summary, the available evidence is currently insufficient to determine the role of this variant in disease. Therefore, it has been classified as a Variant of Uncertain Significance. Algorithms developed to predict the effect of missense changes on protein structure and function are either unavailable or do not agree on the potential impact of this missense change (SIFT: "Tolerated"; PolyPhen-2: "Possibly Damaging"; Align-GVGD: "Class C0"). This variant has not been reported in the literature in individuals affected with KCNJ2-related conditions. This variant is not present in population databases (gnomAD no frequency). This sequence change replaces arginine, which is basic and polar, with glycine, which is neutral and non-polar, at codon 5 of the KCNJ2 protein (p.Arg5Gly).